The following is an entry in ClinVar:

ClinVar aggregate classification (germline): Uncertain significance (1 of 4 stars; one submission).

Conditions:
Osteogenesis imperfecta type I (OI1). Also called: Lobstein disease; OI, TYPE I; OSTEOGENESIS IMPERFECTA TARDA; OSTEOGENESIS IMPERFECTA WITH BLUE SCLERAE; Osteogenesis imperfecta type 1; Lobstein's Disease. Identifiers: Orphanet 216796, Orphanet 666, MedGen C0023931, MONDO:0008146, OMIM 166200. Disease mechanism: loss of function.
Ehlers-Danlos syndrome, classic type, 1 (EDSCL1). Also called: EDS I; EHLERS-DANLOS SYNDROME, GRAVIS TYPE; EHLERS-DANLOS SYNDROME, SEVERE CLASSIC TYPE; Ehlers-Danlos syndrome, type 1; Ehlers-Danlos Syndrome, Classic Type, COL5A1-Related. Identifiers: MedGen C0268335, MONDO:0019567, OMIM 130000.

Submission:

Labcorp Genetics (formerly Invitae), Labcorp
Classification: Uncertain significance for Osteogenesis imperfecta type I; Ehlers-Danlos syndrome, classic type, 1. Last evaluated: 2023-09-06. Review status: criteria provided, single submitter. Criteria: Invitae Variant Classification Sherloc (09022015). Collection method: clinical testing. Allele origin: germline.
Comment: In summary, the available evidence is currently insufficient to determine the role of this variant in disease. Therefore, it has been classified as a Variant of Uncertain Significance. Advanced modeling of protein sequence and biophysical properties (such as structural, functional, and spatial information, amino acid conservation, physicochemical variation, residue mobility, and thermodynamic stability) performed at Invitae indicates that this missense variant is not expected to disrupt COL1A2 protein function. This variant has not been reported in the literature in individuals affected with COL1A2-related conditions. This variant is not present in population databases (gnomAD no frequency). This sequence change replaces arginine, which is basic and polar, with leucine, which is neutral and non-polar, at codon 1067 of the COL1A2 protein (p.Arg1067Leu).

NM_000089.4(COL1A2):c.3200G>T (p.Arg1067Leu)

Gene: COL1A2 (collagen type I alpha 2 chain; plus strand). Cytogenetic location: 7q21.3.
Variant type: single nucleotide variant.
Coding change: c.3200G>T on transcript NM_000089.4 (MANE Select); coding-DNA position 3200, G replaced by T.
Protein change: p.Arg1067Leu; replaces arginine 1067 with leucine.
Molecular consequence: missense variant.
Genome position (GRCh38, 1-based): chr7:94,427,228, G>T. VCF-style: chr7-94427228-G-T. GRCh37 (hg19) VCF-style: chr7-94056540-G-T.
Other names: short protein forms R1067L.
Identifiers: ClinVar variation 2950900 (VCV002950900.3), dbSNP rs530026906, ClinGen allele CA368225486.